The following is an entry in ClinVar:

NM_001161352.2(KCNMA1):c.422C>T (p.Thr141Ile)

Gene: KCNMA1 (potassium calcium-activated channel subfamily M alpha 1; minus strand). Cytogenetic location: 10q22.3.
Variant type: single nucleotide variant.
Coding change: c.422C>T on transcript NM_001161352.2 (MANE Select); coding-DNA position 422, C replaced by T.
Protein change: p.Thr141Ile; replaces threonine 141 with isoleucine.
Molecular consequence: missense variant. On other transcripts: intron variant (1).
Genome position (GRCh38, 1-based): chr10:77,403,980, G>A on the plus strand (C>T on the coding strand, the complement: KCNMA1 is on the minus strand). VCF-style: chr10-77403980-G-A. GRCh37 (hg19) VCF-style: chr10-79163738-G-A.
Other names: c.422C>T, p.Thr141Ile (NM_001014797.3, NM_001161353.2, NM_001271519.2 and 7 more transcripts); c.379-152724C>T (NM_001271518.2); short protein forms T141I.
Identifiers: ClinVar variation 841279 (VCV000841279.15), dbSNP rs1002138627, ClinGen allele CA210133339.
Genomic context (GRCh38, chr10:77,403,980, plus strand): 5'-GAGGTCATCCAGCCGACCTCGGCGGCCACTGCCTCCTCTTTTTCATCCACTGGTTTGAGA[G>A]TGCCATCCGCCTGGCTTGAGCCATTGTTAATCTTCTGGGCCTCCTGGCAACAGAGAGAGC-3'
Protein context (NP_001154824.1, residues 131-151): INNGSSQADG[Thr141Ile]LKPVDEKEEA

ClinVar aggregate classification (germline): Uncertain significance. Review status: criteria provided, multiple submitters, no conflicts (2 of 4 stars). 2 submissions from 2 submitters: Uncertain significance (2). Last evaluated 2022-10-27.

Conditions:
Generalized epilepsy-paroxysmal dyskinesia syndrome (PNKD3). Also called: Generalized epilepsy and paroxysmal dyskinesia; Paroxysmal nonkinesigenic dyskinesia, 3, with or without generalized epilepsy. Identifiers: Orphanet 79137, MedGen C5574945, MONDO:0012276, OMIM 609446.

Allele frequency attached by ClinVar (database versions not stated): gnomAD exomes below 0.00001; TOPMed below 0.00001; gnomAD 0.00001.
gnomAD v4.1: 3 of 1,614,044 alleles (0.00019%); highest among the groups gnomAD compares: East Asian, 0.0022%; no homozygotes.

Submissions (2):

Labcorp Genetics (formerly Invitae), Labcorp
Classification: Uncertain significance for Generalized epilepsy-paroxysmal dyskinesia syndrome. Last evaluated: 2022-10-27. Review status: criteria provided, single submitter. Criteria: Invitae Variant Classification Sherloc (09022015). Collection method: clinical testing. Allele origin: germline.
Comment: This variant has not been reported in the literature in individuals affected with KCNMA1-related conditions. ClinVar contains an entry for this variant (Variation ID: 841279). Algorithms developed to predict the effect of missense changes on protein structure and function are either unavailable or do not agree on the potential impact of this missense change (SIFT: "Deleterious"; PolyPhen-2: "Benign"; Align-GVGD: "Class C0"). In summary, the available evidence is currently insufficient to determine the role of this variant in disease. Therefore, it has been classified as a Variant of Uncertain Significance. This variant is not present in population databases (gnomAD no frequency). This sequence change replaces threonine, which is neutral and polar, with isoleucine, which is neutral and non-polar, at codon 141 of the KCNMA1 protein (p.Thr141Ile).

GeneDx
Classification: Uncertain significance. Last evaluated: 2019-08-28. Review status: criteria provided, single submitter. Criteria: GeneDx Variant Classification Process June 2021. Collection method: clinical testing. Allele origin: germline. Affected: yes.
Comment: Not observed in large population cohorts (Lek et al., 2016); In silico analysis, which includes protein predictors and evolutionary conservation, supports that this variant does not alter protein structure/function; Has not been previously published as pathogenic or benign to our knowledge